The following is an entry in ClinVar:

ClinVar aggregate classification (germline): Uncertain significance (1 of 4 stars; one submission).

Conditions:
Growth delay due to insulin-like growth factor I resistance. Also called: IGF-I RESISTANCE; Insulin-Like Growth Factor I Resistance; Somatomedin end-organ insensitivity to; Somatomedin-c resistance to; IGF-1 resistance. Identifiers: Orphanet 73273, MedGen C1849157, MONDO:0010038, OMIM 270450.

Submission:

MVZ Medizinische Genetik Mainz
Classification: Uncertain significance for Growth delay due to insulin-like growth factor I resistance. Last evaluated: 2024-08-22. Review status: criteria provided, single submitter. Criteria: UK Practice Guidelines For Variant Classification V4 01 2020. Collection method: clinical testing. Allele origin: germline. Inheritance: Autosomal dominant inheritance. Affected: yes. Observed: 1 variant allele.
Comment: ACMG Criteria: PM2_SUP

NM_000875.5(IGF1R):c.986C>G (p.Pro329Arg)

Genes: IGF1R (insulin like growth factor 1 receptor; plus strand), LOC126862245 (P300/CBP strongly-dependent group 1 enhancer GRCh37_chr15:99439536-99440735; plus strand). Cytogenetic location: 15q26.3.
Variant type: single nucleotide variant.
Coding change: c.986C>G on transcript NM_000875.5 (MANE Select); coding-DNA position 986, C replaced by G.
Protein change: p.Pro329Arg; replaces proline 329 with arginine.
Molecular consequence: missense variant.
Genome position (GRCh38, 1-based): chr15:98,896,789, C>G. VCF-style: chr15-98896789-C-G. GRCh37 (hg19) VCF-style: chr15-99440018-C-G.
Other names: c.986C>G, p.Pro329Arg (NM_001291858.2); short protein forms P329R.
Identifiers: ClinVar variation 3342289 (VCV003342289.1).